The following is an entry in ClinVar:

NM_001367868.2(PLIN4):c.3429C>T (p.Pro1143=)

Gene: PLIN4 (perilipin 4; minus strand). Cytogenetic location: 19p13.3.
Variant type: single nucleotide variant.
Coding change: c.3429C>T on transcript NM_001367868.2 (MANE Select); coding-DNA position 3429, C replaced by T.
Protein change: p.Pro1143=; no amino-acid change (proline 1143 retained).
Molecular consequence: synonymous variant.
Genome position (GRCh38, 1-based): chr19:4,510,531, G>A on the plus strand (C>T on the coding strand, the complement: PLIN4 is on the minus strand). VCF-style: chr19-4510531-G-A. GRCh37 (hg19) VCF-style: chr19-4510543-G-A.
Other names: c.3432C>T, p.Pro1144= (NM_001393888.1, NM_001393889.1); c.3429C>T, p.Pro1143= (NM_001393890.1, NM_001393891.1).
Identifiers: ClinVar variation 2649038 (VCV002649038.24), dbSNP rs769420900, ClinGen allele CA9099679.

ClinVar aggregate classification (germline): Likely benign (1 of 4 stars; one submission).

Allele frequency attached by ClinVar (database versions not stated): gnomAD exomes 0.00002; gnomAD 0.00003; TOPMed 0.00003; ExAC 0.00004.
gnomAD v4.1: 28 of 1,486,532 alleles (0.0019%); highest among the groups gnomAD compares: Admixed American, 0.0074%; no homozygotes.

Submission:

CeGaT Center for Human Genetics Tuebingen
Classification: Likely benign. Last evaluated: 2022-08-01. Review status: criteria provided, single submitter. Criteria: CeGaT Center For Human Genetics Tuebingen Variant Classification Criteria Version 2. Collection method: clinical testing. Allele origin: germline. Affected: yes. Observed: 1 variant allele.
Comment: PLIN4: BP4, BP7